The following is an entry in ClinVar:

NM_004186.5(SEMA3F):c.496G>A (p.Gly166Ser)

Gene: SEMA3F (semaphorin 3F; plus strand). Cytogenetic location: 3p21.31.
Variant type: single nucleotide variant.
Coding change: c.496G>A on transcript NM_004186.5 (MANE Select); coding-DNA position 496, G replaced by A.
Protein change: p.Gly166Ser; replaces glycine 166 with serine.
Molecular consequence: missense variant. On other transcripts: intron variant (2).
Genome position (GRCh38, 1-based): chr3:50,175,135, G>A. VCF-style: chr3-50175135-G-A. GRCh37 (hg19) VCF-style: chr3-50212568-G-A.
Other names: c.252+785G>A (NM_001318798.2); c.456+785G>A (NM_001318800.2); short protein forms G166S.
Identifiers: ClinVar variation 3357984 (VCV003357984.1).

ClinVar aggregate classification (germline): Uncertain significance (0 of 4 stars; one submission).

Conditions:
SEMA3F-related disorder. Also called: SEMA3F-related condition.

gnomAD v4.1: 25 of 1,610,674 alleles (0.0016%); highest among the groups gnomAD compares: South Asian, 0.013%; no homozygotes.

Submission:

PreventionGenetics, part of Exact Sciences
Classification: Uncertain significance for SEMA3F-related condition. Last evaluated: 2024-08-08. Review status: no assertion criteria provided. Collection method: clinical testing. Allele origin: germline.
Comment: The SEMA3F c.496G>A variant is predicted to result in the amino acid substitution p.Gly166Ser. To our knowledge, this variant has not been reported in the literature. This variant is reported in 0.0067% of alleles in individuals of South Asian descent in gnomAD. At this time, the clinical significance of this variant is uncertain due to the absence of conclusive functional and genetic evidence.